The following is an entry in ClinVar:

ClinVar aggregate classification (germline): Uncertain significance (1 of 4 stars; one submission).

Conditions:
Neutral lipid storage myopathy (NLSDM). Also called: NEUTRAL LIPID STORAGE DISEASE WITHOUT ICHTHYOSIS. Identifiers: Orphanet 98908, MedGen C1853136, MONDO:0012545, OMIM 610717.

Allele frequency attached by ClinVar (database versions not stated): gnomAD exomes 0.00001.

Submission:

Labcorp Genetics (formerly Invitae), Labcorp
Classification: Uncertain significance for Neutral lipid storage myopathy. Last evaluated: 2018-04-09. Review status: criteria provided, single submitter. Criteria: Invitae Variant Classification Sherloc (09022015). Collection method: clinical testing. Allele origin: germline.
Comment: This sequence change replaces glutamine with arginine at codon 478 of the PNPLA2 protein (p.Gln478Arg). The glutamine residue is weakly conserved and there is a small physicochemical difference between glutamine and arginine. While this variant is not present in population databases, the frequency information is unreliable, as metrics indicate poor data quality at this position in the ExAC database. This variant has not been reported in the literature in individuals with PNPLA2-related disease. Algorithms developed to predict the effect of missense changes on protein structure and function (SIFT, PolyPhen-2, Align-GVGD) all suggest that this variant is likely to be tolerated, but these predictions have not been confirmed by published functional studies and their clinical significance is uncertain. In summary, the available evidence is currently insufficient to determine the role of this variant in disease. Therefore, it has been classified as a Variant of Uncertain Significance.

NM_020376.4(PNPLA2):c.1433A>G (p.Gln478Arg)

Gene: PNPLA2 (patatin like domain 2, triacylglycerol lipase; plus strand). Cytogenetic location: 11p15.5.
Variant type: single nucleotide variant.
Coding change: c.1433A>G on transcript NM_020376.4 (MANE Select); coding-DNA position 1433, A replaced by G.
Protein change: p.Gln478Arg; replaces glutamine 478 with arginine.
Molecular consequence: missense variant.
Genome position (GRCh38, 1-based): chr11:824,780, A>G. VCF-style: chr11-824780-A-G. GRCh37 (hg19) VCF-style: chr11-824780-A-G.
Other names: short protein forms Q478R.
Identifiers: ClinVar variation 573284 (VCV000573284.8), dbSNP rs929233099, ClinGen allele CA216972401.